The following is an entry in ClinVar:

NM_000287.4(PEX6):c.1887C>T (p.Gly629=)

Gene: PEX6 (peroxisomal biogenesis factor 6; minus strand). Cytogenetic location: 6p21.1.
Variant type: single nucleotide variant.
Coding change: c.1887C>T on transcript NM_000287.4 (MANE Select); coding-DNA position 1887, C replaced by T.
Protein change: p.Gly629=; no amino-acid change (glycine 629 retained).
Molecular consequence: synonymous variant. On other transcripts: non-coding transcript variant (1).
Genome position (GRCh38, 1-based): chr6:42,966,856, G>A on the plus strand (C>T on the coding strand, the complement: PEX6 is on the minus strand). VCF-style: chr6-42966856-G-A. GRCh37 (hg19) VCF-style: chr6-42934594-G-A.
Other names: c.1623C>T, p.Gly541= (NM_001316313.2).
Identifiers: ClinVar variation 3029238 (VCV003029238.2), dbSNP rs2114241047, ClinGen allele CA450366071.

ClinVar aggregate classification (germline): Likely benign (0 of 4 stars; one submission).

Conditions:
PEX6-related disorder. Also called: PEX6-related condition; PEX6-related disorders.

Submission:

PreventionGenetics, part of Exact Sciences
Classification: Likely benign for PEX6-related condition. Last evaluated: 2021-05-10. Review status: no assertion criteria provided. Collection method: clinical testing. Allele origin: germline.
Comment: This variant is classified as likely benign based on ACMG/AMP sequence variant interpretation guidelines (Richards et al. 2015 PMID: 25741868, with internal and published modifications).